The following is an entry in ClinVar:

NM_004738.5(VAPB):c.70G>A (p.Asp24Asn)

Gene: VAPB (VAMP associated protein B and C; plus strand). Cytogenetic location: 20q13.32.
Variant type: single nucleotide variant.
Coding change: c.70G>A on transcript NM_004738.5 (MANE Select); coding-DNA position 70, G replaced by A.
Protein change: p.Asp24Asn; replaces aspartic acid 24 with asparagine.
Molecular consequence: missense variant. On other transcripts: non-coding transcript variant (1).
Genome position (GRCh38, 1-based): chr20:58,418,222, G>A. VCF-style: chr20-58418222-G-A. GRCh37 (hg19) VCF-style: chr20-56993278-G-A.
Other names: c.70G>A, p.Asp24Asn (NM_001195677.2); short protein forms D24N.
Identifiers: ClinVar variation 2923072 (VCV002923072.8), dbSNP rs758038085, ClinGen allele CA9924170.

ClinVar aggregate classification (germline): Uncertain significance. Review status: criteria provided, multiple submitters, no conflicts (2 of 4 stars). 2 submissions from 2 submitters: Uncertain significance (2). Last evaluated 2025-12-01.

Conditions:
Adult-onset proximal spinal muscular atrophy, autosomal dominant. Also called: Spinal muscular atrophy, late-onset, finkel type; FINKEL LATE-ADULT TYPE SMA. Identifiers: Orphanet 209335, MedGen C1854058, MONDO:0008453, OMIM 182980.
Amyotrophic lateral sclerosis type 8 (ALS8). Identifiers: Orphanet 803, MedGen C1837728, MONDO:0012077, OMIM 608627.

Allele frequency attached by ClinVar (database versions not stated): gnomAD exomes below 0.00001; TOPMed below 0.00001; ExAC 0.00002.

Submissions (2):

CeGaT Center for Human Genetics Tuebingen
Classification: Uncertain significance. Last evaluated: 2025-12-01. Review status: criteria provided, single submitter. Criteria: CeGaT Center For Human Genetics Tuebingen Variant Classification Criteria Version 2. Collection method: clinical testing. Allele origin: germline. Affected: yes. Observed: 1 variant allele.
Comment: VAPB: PM2, PP3

Labcorp Genetics (formerly Invitae), Labcorp
Classification: Uncertain significance for Adult-onset proximal spinal muscular atrophy, autosomal dominant; Amyotrophic lateral sclerosis type 8. Last evaluated: 2024-11-16. Review status: criteria provided, single submitter. Criteria: Invitae Variant Classification Sherloc (09022015). Collection method: clinical testing. Allele origin: germline.
Comment: This sequence change replaces aspartic acid, which is acidic and polar, with asparagine, which is neutral and polar, at codon 24 of the VAPB protein (p.Asp24Asn). This variant is present in population databases (rs758038085, gnomAD 0.009%). This variant has not been reported in the literature in individuals affected with VAPB-related conditions. ClinVar contains an entry for this variant (Variation ID: 2923072). Invitae Evidence Modeling of protein sequence and biophysical properties (such as structural, functional, and spatial information, amino acid conservation, physicochemical variation, residue mobility, and thermodynamic stability) indicates that this missense variant is expected to disrupt VAPB protein function with a positive predictive value of 80%. In summary, the available evidence is currently insufficient to determine the role of this variant in disease. Therefore, it has been classified as a Variant of Uncertain Significance.